The following is an entry in ClinVar:

ClinVar aggregate classification (germline): Uncertain significance (1 of 4 stars; one submission).

Conditions:
Severe combined immunodeficiency due to IKK2 deficiency. Also called: IMMUNODEFICIENCY 15B; Immunodeficiency 15. Identifiers: Orphanet 397787, MedGen C4747743, MONDO:0014267, OMIM 615592.

Allele frequency attached by ClinVar (database versions not stated): TOPMed below 0.00001.

Submission:

Labcorp Genetics (formerly Invitae), Labcorp
Classification: Uncertain significance for Severe combined immunodeficiency due to IKK2 deficiency. Last evaluated: 2025-05-18. Review status: criteria provided, single submitter. Criteria: Invitae Variant Classification Sherloc (09022015). Collection method: clinical testing. Allele origin: germline.
Comment: This sequence change replaces isoleucine, which is neutral and non-polar, with methionine, which is neutral and non-polar, at codon 30 of the IKBKB protein (p.Ile30Met). This variant is not present in population databases (gnomAD no frequency). This variant has not been reported in the literature in individuals affected with IKBKB-related conditions. ClinVar contains an entry for this variant (Variation ID: 1004890). Invitae Evidence Modeling of protein sequence and biophysical properties (such as structural, functional, and spatial information, amino acid conservation, physicochemical variation, residue mobility, and thermodynamic stability) indicates that this missense variant is not expected to disrupt IKBKB protein function with a negative predictive value of 95%. In summary, the available evidence is currently insufficient to determine the role of this variant in disease. Therefore, it has been classified as a Variant of Uncertain Significance.

NM_001556.3(IKBKB):c.90C>G (p.Ile30Met)

Gene: IKBKB (inhibitor of nuclear factor kappa B kinase subunit beta; plus strand). Cytogenetic location: 8p11.21.
Variant type: single nucleotide variant.
Coding change: c.90C>G on transcript NM_001556.3 (MANE Select); coding-DNA position 90, C replaced by G.
Protein change: p.Ile30Met; replaces isoleucine 30 with methionine.
Molecular consequence: missense variant. On other transcripts: non-coding transcript variant (3), intron variant (1).
Genome position (GRCh38, 1-based): chr8:42,272,190, C>G. VCF-style: chr8-42272190-C-G. GRCh37 (hg19) VCF-style: chr8-42129708-C-G.
Other names: c.8C>G, p.Ser3Cys (NM_001242778.2); c.-88+721C>G (NM_001190720.3); short protein forms I30M, S3C.
Identifiers: ClinVar variation 1004890 (VCV001004890.5), dbSNP rs1807917822, ClinGen allele CA371089029.